The following is an entry in ClinVar:

NM_006059.4(LAMC3):c.1525G>A (p.Glu509Lys)

Gene: LAMC3 (laminin subunit gamma 3; plus strand). Cytogenetic location: 9q34.12.
Variant type: single nucleotide variant.
Coding change: c.1525G>A on transcript NM_006059.4 (MANE Select); coding-DNA position 1525, G replaced by A.
Protein change: p.Glu509Lys; replaces glutamic acid 509 with lysine.
Molecular consequence: missense variant.
Genome position (GRCh38, 1-based): chr9:131,049,025, G>A. VCF-style: chr9-131049025-G-A. GRCh37 (hg19) VCF-style: chr9-133924412-G-A.
Other names: c.1525G>A (NM_006059.3); short protein forms E509K.
Identifiers: ClinVar variation 1381267 (VCV001381267.7), dbSNP rs1162613016, ClinGen allele CA375262995.

ClinVar aggregate classification (germline): Uncertain significance. Review status: criteria provided, multiple submitters, no conflicts (2 of 4 stars). 2 submissions from 2 submitters: Uncertain significance (2). Last evaluated 2024-10-03.

Conditions:
Inborn genetic diseases. Identifiers: MedGen C0950123, MeSH D030342.

Allele frequency attached by ClinVar (database versions not stated): gnomAD exomes 0.00001.

Submissions (2):

Ambry Genetics
Classification: Uncertain significance for Inborn genetic diseases. Last evaluated: 2024-10-03. Review status: criteria provided, single submitter. Criteria: Ambry Variant Classification Scheme 2023. Collection method: clinical testing. Allele origin: germline.

Labcorp Genetics (formerly Invitae), Labcorp
Classification: Uncertain significance. Last evaluated: 2022-10-28. Review status: criteria provided, single submitter. Criteria: Invitae Variant Classification Sherloc (09022015). Collection method: clinical testing. Allele origin: germline.
Comment: In summary, the available evidence is currently insufficient to determine the role of this variant in disease. Therefore, it has been classified as a Variant of Uncertain Significance. Algorithms developed to predict the effect of missense changes on protein structure and function output the following: SIFT: "Tolerated"; PolyPhen-2: "Benign"; Align-GVGD: "Class C0". The lysine amino acid residue is found in multiple mammalian species, which suggests that this missense change does not adversely affect protein function. ClinVar contains an entry for this variant (Variation ID: 1381267). This variant has not been reported in the literature in individuals affected with LAMC3-related conditions. The frequency data for this variant in the population databases is considered unreliable, as metrics indicate poor data quality at this position in the gnomAD database. This sequence change replaces glutamic acid, which is acidic and polar, with lysine, which is basic and polar, at codon 509 of the LAMC3 protein (p.Glu509Lys).